The following is an entry in ClinVar:

NM_175914.5(HNF4A):c.583-2del

Gene: HNF4A (hepatocyte nuclear factor 4 alpha; plus strand). Cytogenetic location: 20q13.12.
Variant type: Deletion.
Coding change: c.583-2del on transcript NM_175914.5 (MANE Select); the canonical splice acceptor site of the intron before coding-DNA position 583, one base deleted (A; older notation c.583-2delA).
Molecular consequence: splice acceptor variant.
Genome position (GRCh38, 1-based): chr20:44,418,423, A deleted. VCF-style (leftmost placement, unchanged base first): chr20-44418422-CA-C. GRCh37 (hg19) VCF-style: chr20-43047062-CA-C.
Other names: IVS5, DEL A, -2; c.583-2delA (NM_175914.4); c.574-2del (NM_001287182.2, NM_001287183.2, NM_001287184.2); c.583-2del (NM_001030003.3, NM_001030004.3); c.628-2del (NM_001258355.2); c.649-2del (NM_178849.3, NM_000457.6, NM_178850.3).
Identifiers: ClinVar variation 9215 (VCV000009215.3), dbSNP rs1600731198, ClinGen allele CA913187448.
Genomic context (GRCh38, chr20:44,418,422, plus strand): 5'-AGTTGGCTACGGGCAGCCTTCCCAAGGGTACAGATGGCAAACACTGTTCCTTCTCTCTTT[CA>C]GGTGGCCCTGCTCAGAGCCCATGCTGGCGAGCACCTGCTGCTCGGAGCCACCAAGAGATC-3'

ClinVar aggregate classification (germline): Pathogenic. Review status: reviewed by expert panel (3 of 4 stars). 2 submissions from 2 submitters: Pathogenic (1). 1 of the submissions does not count toward it. Last evaluated 2023-05-27.

Conditions:
Monogenic diabetes. Identifiers: Orphanet 183625, MedGen C3888631, MONDO:0015967.
Maturity-onset diabetes of the young type 1. Also called: MILD JUVENILE DIABETES MELLITUS; MODY, type I; HNF4A-Related Maturity-Onset Diabetes of the Young Type 1; MODY type 1; Diabetes mellitus MODY type 1; MODY HNF4A related. Identifiers: Orphanet 552, MedGen C1852093, MONDO:0007452, OMIM 125850. Disease mechanism: loss of function.

Submissions (2):

ClinGen Monogenic Diabetes Variant Curation Expert Panel
Classification: Pathogenic for Monogenic diabetes. Last evaluated: 2023-05-27. Review status: reviewed by expert panel. Criteria: MDEP HNF4A Specificiations 1.0.0. Collection method: curation. Allele origin: germline. Inheritance: Autosomal dominant inheritance.
Comment: c.583-2delA p.(?) The c.583-2delA variant in the hepatocyte nuclear factor 4-alpha gene, HNF4A alters a consensus splice site and is predicted to cause out-of-frame skipping of exon 6 of 10 of NM_175914.5. This variant is predicted to lead to nonsense mediated decay in a gene in which loss-of-function is an established disease mechanism (PVS1, PMID: 23348805). This variant is absent from gnomAD v2.1.1 (PM2 supporting). This variant was identified in an individual with a clinical history highly specific for HNF4A-MODY (MODY probability calculator result >50%, negative genetic testing for HNF1A) (PP4; PMID: 12050210). In summary, c.583-2delA meets the criteria to be classified as pathogenic for monogenic diabetes. ACMG/AMP criteria applied, as specified by the ClinGen MDEP VCEP (specification version 1.0.0, approved 11/16/2022): PVS1, PM2_Supporting, PP4.

OMIM
Classification: Pathogenic for MATURITY-ONSET DIABETES OF THE YOUNG, TYPE 1. Last evaluated: 2002-06-01. Review status: no assertion criteria provided. Collection method: literature only. Allele origin: germline. Not counted in ClinVar's aggregate classification.

Literature cited by the submitters: PubMed 12050210 (cited by OMIM).